The following is an entry in ClinVar:

ClinVar aggregate classification (germline): Uncertain significance (1 of 4 stars; one submission).

Conditions:
Hyperekplexia 3 (HKPX3). Also called: HYPEREKPLEXIA 3, AUTOSOMAL RECESSIVE; HYPEREKPLEXIA 3, AUTOSOMAL DOMINANT. Identifiers: Orphanet 3197, MedGen C3553288, MONDO:0013827, OMIM 614618.

gnomAD v4.1: 3 of 1,592,848 alleles (0.00019%); highest among the groups gnomAD compares: African/African-American, 0.0013%; no homozygotes.

Submission:

Labcorp Genetics (formerly Invitae), Labcorp
Classification: Uncertain significance for Hyperekplexia 3. Last evaluated: 2022-02-24. Review status: criteria provided, single submitter. Criteria: Invitae Variant Classification Sherloc (09022015). Collection method: clinical testing. Allele origin: germline.
Comment: This variant is present in population databases (rs80286799, gnomAD 0.007%). This sequence change falls in intron 9 of the SLC6A5 gene. It does not directly change the encoded amino acid sequence of the SLC6A5 protein. This variant has not been reported in the literature in individuals affected with SLC6A5-related conditions. Algorithms developed to predict the effect of sequence changes on RNA splicing suggest that this variant may create or strengthen a splice site. In summary, the available evidence is currently insufficient to determine the role of this variant in disease. Therefore, it has been classified as a Variant of Uncertain Significance.

NM_004211.5(SLC6A5):c.1499+15T>G

Gene: SLC6A5 (solute carrier family 6 member 5; plus strand). Cytogenetic location: 11p15.1.
Variant type: single nucleotide variant.
Coding change: c.1499+15T>G on transcript NM_004211.5 (MANE Select); 15 bases into the intron after coding-DNA position 1499, T replaced by G.
Molecular consequence: intron variant.
Genome position (GRCh38, 1-based): chr11:20,628,098, T>G. VCF-style: chr11-20628098-T-G. GRCh37 (hg19) VCF-style: chr11-20649644-T-G.
Other names: c.797+15T>G (NM_001318369.2).
Identifiers: ClinVar variation 1506366 (VCV001506366.8), dbSNP rs80286799, ClinGen allele CA5921472.